The following is an entry in ClinVar:

ClinVar aggregate classification (germline): Pathogenic/Likely pathogenic. Review status: criteria provided, multiple submitters, no conflicts (2 of 4 stars). 2 submissions from 2 submitters: Pathogenic (1); Likely pathogenic (1). Last evaluated 2025-01-01.

Conditions:
Clark-Baraitser syndrome. Also called: MENTAL RETARDATION, AUTOSOMAL DOMINANT 49; Intellectual disability, autosomal dominant 49; BARAITSER SYNDROME; Mental retardation, tall stature, obesity, macrocephaly and typical facial features. Identifiers: Orphanet 600731, MedGen C2931130, MONDO:0030914, OMIM 617752.

Submissions (2):

Center of Human Genetics, Hôpital Erasme
Classification: Likely pathogenic for Clark-Baraitser syndrome. Last evaluated: 2025-01-01. Review status: criteria provided, single submitter. Criteria: ACMG Guidelines, 2015. Collection method: clinical testing. Allele origin: unknown. Affected: yes.

Institute for Genomic Statistics and Bioinformatics, University Hospital Bonn
Classification: Pathogenic for Clark-Baraitser syndrome. Review status: criteria provided, single submitter. Criteria: ACMG Guidelines, 2015. Collection method: clinical testing. Allele origin: de novo. Inheritance: Autosomal dominant inheritance. Affected: yes. Observed: 1 variant allele, 1 heterozygote.
Comment: ACMG classification: class 5 (PVS1, PS2, PM2)

NM_001348323.3(TRIP12):c.399dup (p.Pro134fs)

Gene: TRIP12 (thyroid hormone receptor interactor 12; minus strand). Cytogenetic location: 2q36.3.
Variant type: Duplication.
Coding change: c.399dup on transcript NM_001348323.3 (MANE Select); coding-DNA position 399, one base duplicated (A; older notation c.399dupA).
Protein change: p.Pro134fs; shifts the reading frame from proline 134.
Molecular consequence: frameshift variant. On other transcripts: intron variant (1).
Genome position (GRCh38, 1-based): chr2:229,859,400, T duplicated on the plus strand (A on the coding strand, the reverse complement: TRIP12 is on the minus strand); the first of 7 consecutive T bases (chr2:229,859,400-229,859,406); duplicating any one gives the same sequence. VCF-style (leftmost placement, unchanged base first): chr2-229859399-G-GT. GRCh37 (hg19) VCF-style: chr2-230724115-G-GT.
Other names: c.399dup, p.Pro134fs (NM_001348315.2, NM_001348319.1, NM_001348320.2 and 15 more transcripts); c.273dup, p.Pro92fs (NM_001348316.2, NM_001348317.1, NM_001348318.2 and 3 more transcripts); c.98+20576dup (NM_001284216.2); c.273dupA (NM_004238.1); short protein forms P134fs, P92fs.
Identifiers: ClinVar variation 997950 (VCV000997950.5), dbSNP rs2060119917, ClinGen allele CA645528848.